The following is an entry in ClinVar:

ClinVar aggregate classification (germline): Pathogenic (1 of 4 stars; one submission).

Submission:

Labcorp Genetics (formerly Invitae), Labcorp
Classification: Pathogenic. Last evaluated: 2024-01-09. Review status: criteria provided, single submitter. Criteria: Invitae Variant Classification Sherloc (09022015). Collection method: clinical testing. Allele origin: germline.
Comment: This sequence change creates a premature translational stop signal (p.Ile677Tyrfs*10) in the ATR gene. It is expected to result in an absent or disrupted protein product. Loss-of-function variants in ATR are known to be pathogenic (PMID: 21228398, 23144622). This variant is not present in population databases (gnomAD no frequency). This variant has not been reported in the literature in individuals affected with ATR-related conditions. For these reasons, this variant has been classified as Pathogenic.

Literature cited by the submitters: PubMed 21228398; PubMed 23144622.

NM_001184.4(ATR):c.2028dup (p.Ile677fs)

Gene: ATR (ATR checkpoint kinase; minus strand). Cytogenetic location: 3q23.
Variant type: Duplication.
Coding change: c.2028dup on transcript NM_001184.4 (MANE Select); coding-DNA position 2028, one base duplicated (T; older notation c.2028dupT).
Protein change: p.Ile677fs; shifts the reading frame from isoleucine 677.
Molecular consequence: frameshift variant.
Genome position (GRCh38, 1-based): chr3:142,556,433, A duplicated on the plus strand (T on the coding strand, the reverse complement: ATR is on the minus strand); the first of 6 consecutive A bases (chr3:142,556,433-142,556,438); duplicating any one gives the same sequence. VCF-style (leftmost placement, unchanged base first): chr3-142556432-T-TA. GRCh37 (hg19) VCF-style: chr3-142275274-T-TA.
Other names: c.1836dup, p.Ile613fs (NM_001354579.2); short protein forms I613fs, I677fs.
Identifiers: ClinVar variation 2916540 (VCV002916540.3), dbSNP rs1460933711, ClinGen allele CA899912030.